The following is an entry in ClinVar:

ClinVar aggregate classification (germline): Uncertain significance (1 of 4 stars; one submission).

Conditions:
Leigh syndrome (NULS). Also called: Leigh's necrotizing encephalopathy; Leigh's disease; Leigh Syndrome (mtDNA deletion); Leigh Disease; Subacute necrotizing encephalopathy; Necrotizing encephalopathy infantile subacute of Leigh. Identifiers: Orphanet 506, MedGen C2931891, MONDO:0009723, OMIM 256000.

Submission:

Wong Mito Lab, Molecular and Human Genetics, Baylor College of Medicine
Classification: Uncertain significance for Leigh syndrome. Last evaluated: 2019-10-17. Review status: criteria provided, single submitter. Criteria: Modified ACMG Guidelines (Unpublished). Collection method: clinical testing. Allele origin: germline.
Comment: The NC_012920.1:m.12479T>C (YP_003024036.1:p.Leu48Pro) variant in MTND5 gene is interpretated to be a Uncertain Significance variant based on the modified ACMG guidelines (unpublished). This variant meets the following evidence codes: PP7

NC_012920.1(MT-ND5):m.12479T>C

Gene: MT-ND5 (mitochondrially encoded NADH dehydrogenase 5; plus strand).
Variant type: single nucleotide variant.
Genome position: chrM-12479-T-C.
Identifiers: ClinVar variation 693450 (VCV000693450.1), dbSNP rs1603223760, ClinGen allele CA414813354.